The following is an entry in ClinVar:

ClinVar aggregate classification (germline): Uncertain significance. Review status: criteria provided, multiple submitters, no conflicts (2 of 4 stars). 3 submissions from 3 submitters: Uncertain significance (3). Last evaluated 2024-08-28.

Conditions:
Inborn genetic diseases. Identifiers: MedGen C0950123, MeSH D030342.

Submissions (3):

Ambry Genetics
Classification: Uncertain significance for Inborn genetic diseases. Last evaluated: 2024-08-28. Review status: criteria provided, single submitter. Criteria: Ambry Variant Classification Scheme 2023. Collection method: clinical testing. Allele origin: germline.

Blueprint Genetics
Classification: Uncertain significance. Last evaluated: 2022-03-29. Review status: criteria provided, single submitter. Criteria: ACMG Guidelines, 2015. Collection method: clinical testing. Allele origin: germline.

Labcorp Genetics (formerly Invitae), Labcorp
Classification: Uncertain significance. Last evaluated: 2021-07-19. Review status: criteria provided, single submitter. Criteria: Invitae Variant Classification Sherloc (09022015). Collection method: clinical testing. Allele origin: germline.
Comment: This variant is not present in population databases (ExAC no frequency). In summary, the available evidence is currently insufficient to determine the role of this variant in disease. Therefore, it has been classified as a Variant of Uncertain Significance. Algorithms developed to predict the effect of missense changes on protein structure and function are either unavailable or do not agree on the potential impact of this missense change (SIFT: "Deleterious"; PolyPhen-2: "Possibly Damaging"; Align-GVGD: "Class C0"). This variant has not been reported in the literature in individuals affected with P3H2-related conditions. This sequence change replaces glutamic acid with glutamine at codon 624 of the P3H2 protein (p.Glu624Gln). The glutamic acid residue is highly conserved and there is a small physicochemical difference between glutamic acid and glutamine.

NM_018192.4(P3H2):c.1870G>C (p.Glu624Gln)

Gene: P3H2 (prolyl 3-hydroxylase 2; minus strand). Cytogenetic location: 3q28.
Variant type: single nucleotide variant.
Coding change: c.1870G>C on transcript NM_018192.4 (MANE Select); coding-DNA position 1870, G replaced by C.
Protein change: p.Glu624Gln; replaces glutamic acid 624 with glutamine.
Molecular consequence: missense variant.
Genome position (GRCh38, 1-based): chr3:189,970,839, C>G on the plus strand (G>C on the coding strand, the complement: P3H2 is on the minus strand). VCF-style: chr3-189970839-C-G. GRCh37 (hg19) VCF-style: chr3-189688628-C-G.
Other names: c.1327G>C, p.Glu443Gln (NM_001134418.2); c.1870G>C (NM_018192.3); short protein forms E443Q, E624Q.
Identifiers: ClinVar variation 1365803 (VCV001365803.10), dbSNP rs549590724, ClinGen allele CA89720014.